The following is an entry in ClinVar:

ClinVar aggregate classification (germline): Benign. Review status: criteria provided, multiple submitters, no conflicts (2 of 4 stars). 2 submissions from 2 submitters: Benign (2). Last evaluated 2026-02-03.

Conditions:
Neuropathy, hereditary motor and sensory, type 6B (HMSN6B). Also called: Neuropathy, hereditary motor and sensory, type VIB; HMSN VIB; CHARCOT-MARIE-TOOTH DISEASE, TYPE 6B; NEUROPATHY, HEREDITARY MOTOR AND SENSORY, TYPE VIB, WITH OPTIC ATROPHY. Identifiers: MedGen C4225302, MONDO:0014671, OMIM 616505.

Allele frequency attached by ClinVar (database versions not stated): gnomAD exomes 0.00342 and 0.00911; ExAC 0.01120; gnomAD 0.03505 and 0.03764; 1000 Genomes Project 0.03634; ESP Exome Variant Server 0.03985; 1000 Genomes Project 30x 0.03998; TOPMed 0.04030.
gnomAD v4.1: 10,546 of 1,599,626 alleles (0.66%); highest among the groups gnomAD compares: African/African-American, 12%; 552 homozygotes.

Submissions (2):

Labcorp Genetics (formerly Invitae), Labcorp
Classification: Benign for Neuropathy, hereditary motor and sensory, type 6B. Last evaluated: 2026-02-03. Review status: criteria provided, single submitter. Criteria: Invitae Variant Classification Sherloc (09022015). Collection method: clinical testing. Allele origin: germline.

GeneDx
Classification: Benign. Last evaluated: 2018-06-16. Review status: criteria provided, single submitter. Criteria: GeneDx Variant Classification (06012015). Collection method: clinical testing. Allele origin: germline. Affected: yes.
Comment: This variant is considered likely benign or benign based on one or more of the following criteria: it is a conservative change, it occurs at a poorly conserved position in the protein, it is predicted to be benign by multiple in silico algorithms, and/or has population frequency not consistent with disease.

NM_138773.4(SLC25A46):c.384+12T>G

Gene: SLC25A46 (solute carrier family 25 member 46; plus strand). Cytogenetic location: 5q22.1.
Variant type: single nucleotide variant.
Coding change: c.384+12T>G on transcript NM_138773.4 (MANE Select); 12 bases into the intron after coding-DNA position 384, T replaced by G.
Molecular consequence: intron variant.
Genome position (GRCh38, 1-based): chr5:110,743,799, T>G. VCF-style: chr5-110743799-T-G. GRCh37 (hg19) VCF-style: chr5-110079500-T-G.
Other names: c.111+12T>G (NM_001303250.3); c.384+12T>G (NM_001303249.3).
Identifiers: ClinVar variation 673781 (VCV000673781.12), dbSNP rs7736017, ClinGen allele CA3364573.